The following is an entry in ClinVar:

NM_002336.3(LRP6):c.244A>G (p.Lys82Glu)

Gene: LRP6 (LDL receptor related protein 6; minus strand). Cytogenetic location: 12p13.2.
Variant type: single nucleotide variant.
Coding change: c.244A>G on transcript NM_002336.3 (MANE Select); coding-DNA position 244, A replaced by G.
Protein change: p.Lys82Glu; replaces lysine 82 with glutamic acid.
Molecular consequence: missense variant. On other transcripts: 5 prime UTR variant (2), non-coding transcript variant (1), intron variant (1).
Genome position (GRCh38, 1-based): chr12:12,244,467, T>C on the plus strand (A>G on the coding strand, the complement: LRP6 is on the minus strand). VCF-style: chr12-12244467-T-C. GRCh37 (hg19) VCF-style: chr12-12397401-T-C.
Other names: c.244A>G, p.Lys82Glu (NM_001414244.1, NM_001414245.1, NM_001414246.1 and 6 more transcripts); c.-210A>G (NM_001414253.1); c.-206A>G (NM_001414254.1); c.-5+22214A>G (NM_001414252.1); short protein forms K82E.
Identifiers: ClinVar variation 4748277 (VCV004748277.1).
Genomic context (GRCh38, chr12:12,244,467, plus strand): 5'-ATGCCAGCCCATCGGGGGACAATAATCCAGAAACAACAACATTCTGCACACTCTCAGTTT[T>C]GTTAAATTCTGTTCGTTTAATGGCTTCTTCGCTGACATCACTCCAGTATATCAAGCCATG-3'
Protein context (NP_002327.2, residues 72-92): EEAIKRTEFN[Lys82Glu]TESVQNVVVS

ClinVar aggregate classification (germline): Uncertain significance (1 of 4 stars; one submission).

gnomAD v4.1: 6 of 1,614,092 alleles (0.00037%); highest among the groups gnomAD compares: East Asian, 0.0089%; no homozygotes.

Submission:

Labcorp Genetics (formerly Invitae), Labcorp
Classification: Uncertain significance. Last evaluated: 2025-09-10. Review status: criteria provided, single submitter. Criteria: Invitae Variant Classification Sherloc (09022015). Collection method: clinical testing. Allele origin: germline.
Comment: This sequence change replaces lysine, which is basic and polar, with glutamic acid, which is acidic and polar, at codon 82 of the LRP6 protein (p.Lys82Glu). This variant is present in population databases (rs758212967, gnomAD 0.02%). This variant has not been reported in the literature in individuals affected with LRP6-related conditions. An algorithm developed to predict the effect of missense changes on protein structure and function (PolyPhen-2) suggests that this variant is likely to be tolerated. In summary, the available evidence is currently insufficient to determine the role of this variant in disease. Therefore, it has been classified as a Variant of Uncertain Significance.